The following is an entry in ClinVar:

ClinVar aggregate classification (germline): Uncertain significance. Review status: criteria provided, multiple submitters, no conflicts (2 of 4 stars). 2 submissions from 2 submitters: Uncertain significance (2). Last evaluated 2026-01-21.

Conditions:
Hereditary cancer-predisposing syndrome. Also called: Hereditary Cancer Syndrome; Tumor predisposition; Hereditary neoplastic syndrome; Neoplastic Syndromes, Hereditary. Identifiers: Orphanet 140162, MedGen C0027672, MeSH D009386, MONDO:0015356.

Submissions (2):

Labcorp Genetics (formerly Invitae), Labcorp
Classification: Uncertain significance. Last evaluated: 2026-01-21. Review status: criteria provided, single submitter. Criteria: Invitae Variant Classification Sherloc (09022015). Collection method: clinical testing. Allele origin: germline.
Comment: This sequence change replaces leucine, which is neutral and non-polar, with valine, which is neutral and non-polar, at codon 305 of the NTHL1 protein (p.Leu305Val). This variant is present in population databases (rs770964367, gnomAD 0.0009%). This variant has not been reported in the literature in individuals affected with NTHL1-related conditions. ClinVar contains an entry for this variant (Variation ID: 645433). An algorithm developed to predict the effect of missense changes on protein structure and function (PolyPhen-2) suggests that this variant is likely to be tolerated. In summary, the available evidence is currently insufficient to determine the role of this variant in disease. Therefore, it has been classified as a Variant of Uncertain Significance.

Ambry Genetics
Classification: Uncertain significance for Hereditary cancer-predisposing syndrome. Last evaluated: 2024-04-09. Review status: criteria provided, single submitter. Criteria: Ambry Variant Classification Scheme 2023. Collection method: clinical testing. Allele origin: germline.
Comment: The p.L305V variant (also known as c.913C>G), located in coding exon 6 of the NTHL1 gene, results from a C to G substitution at nucleotide position 913. The leucine at codon 305 is replaced by valine, an amino acid with highly similar properties. This amino acid position is not well conserved in available vertebrate species. In addition, this alteration is predicted to be tolerated by in silico analysis. Since supporting evidence is limited at this time, the clinical significance of this alteration remains unclear.

NM_002528.7(NTHL1):c.889C>G (p.Leu297Val)

Gene: NTHL1 (nth like DNA glycosylase 1; minus strand). Cytogenetic location: 16p13.3.
Variant type: single nucleotide variant.
Coding change: c.889C>G on transcript NM_002528.7 (MANE Select); coding-DNA position 889, C replaced by G.
Protein change: p.Leu297Val; replaces leucine 297 with valine.
Molecular consequence: missense variant.
Genome position (GRCh38, 1-based): chr16:2,039,950, G>C on the plus strand (C>G on the coding strand, the complement: NTHL1 is on the minus strand). VCF-style: chr16-2039950-G-C. GRCh37 (hg19) VCF-style: chr16-2089951-G-C.
Other names: c.889C>G, p.Leu297Val (LRG_1366t1); c.718C>G, p.Leu240Val (NM_001318193.2); c.559C>G, p.Leu187Val (NM_001318194.2); short protein forms L187V, L297V, L240V.
Identifiers: ClinVar variation 645433 (VCV000645433.12), dbSNP rs770964367, ClinGen allele CA7828069.